The following is an entry in ClinVar:

ClinVar aggregate classification (germline): Pathogenic/Likely pathogenic. Review status: criteria provided, multiple submitters, no conflicts (2 of 4 stars). 2 submissions from 2 submitters: Pathogenic (1); Likely pathogenic (1). Last evaluated 2024-01-03.

Conditions:
Hepatoencephalopathy due to combined oxidative phosphorylation defect type 1. Also called: HEPATOENCEPHALOPATHY, EARLY FATAL PROGRESSIVE. Identifiers: Orphanet 137681, MedGen C1836797, MONDO:0012191, OMIM 609060.

Submissions (2):

Baylor Genetics
Classification: Likely pathogenic for Hepatoencephalopathy due to combined oxidative phosphorylation defect type 1. Last evaluated: 2024-01-03. Review status: criteria provided, single submitter. Criteria: ACMG Guidelines, 2015. Collection method: clinical testing. Allele origin: unknown.

Labcorp Genetics (formerly Invitae), Labcorp
Classification: Pathogenic. Last evaluated: 2022-01-07. Review status: criteria provided, single submitter. Criteria: Invitae Variant Classification Sherloc (09022015). Collection method: clinical testing. Allele origin: germline.
Comment: For these reasons, this variant has been classified as Pathogenic. This variant has not been reported in the literature in individuals affected with GFM1-related conditions. This variant is not present in population databases (gnomAD no frequency). This sequence change creates a premature translational stop signal (p.Ile102Tyrfs*16) in the GFM1 gene. It is expected to result in an absent or disrupted protein product. Loss-of-function variants in GFM1 are known to be pathogenic (PMID: 16632485, 17160893).

Literature cited by the submitters: PubMed 16632485 (cited by Labcorp Genetics (formerly Invitae), Labcorp); PubMed 17160893 (cited by Labcorp Genetics (formerly Invitae), Labcorp).

NM_024996.7(GFM1):c.303dup (p.Ile102fs)

Gene: GFM1 (G elongation factor mitochondrial 1; plus strand). Cytogenetic location: 3q25.32.
Variant type: Duplication.
Coding change: c.303dup on transcript NM_024996.7 (MANE Select); coding-DNA position 303, one base duplicated (T; older notation c.303dupT).
Protein change: p.Ile102fs; shifts the reading frame from isoleucine 102.
Molecular consequence: frameshift variant. On other transcripts: non-coding transcript variant (3), intron variant (4).
Genome position (GRCh38, 1-based): chr3:158,646,233, T duplicated. VCF-style (leftmost placement, unchanged base first): chr3-158646232-C-CT. GRCh37 (hg19) VCF-style: chr3-158364021-C-CT.
Other names: c.303dup, p.Ile102fs (NM_001308164.2, NM_001308166.2, NM_001374355.1 and 1 more transcripts); c.78dup, p.Ile27fs (NM_001374357.1); c.5+452dup (NM_001374359.1, NM_001374360.1, NM_001374361.1); c.234+452dup (NM_001374358.1); short protein forms I102fs, I27fs.
Identifiers: ClinVar variation 2077405 (VCV002077405.5), dbSNP rs2473938268, ClinGen allele CA2580068989.
Genomic context (GRCh38, chr3:158,646,232, plus strand): 5'-GTAAAGATGGAGTTGGTGCTGTCATGGATTCCATGGAACTAGAGAGACAAAGAGGAATCA[C>CT]TATTCAGTCAGCAGCCACTTACACCATGTGGAAAGATGTCAATATTAACATTATAGATAC-3'